The following is an entry in ClinVar:

ClinVar aggregate classification (germline): Uncertain significance. Review status: criteria provided, multiple submitters, no conflicts (2 of 4 stars). 2 submissions from 2 submitters: Uncertain significance (2). Last evaluated 2022-06-21.

Conditions:
Cardiovascular phenotype. Identifiers: MedGen CN230736.
Long QT syndrome 10 (LQT10). Identifiers: Orphanet 101016, Orphanet 768, MedGen C2678484, MONDO:0012737, OMIM 611819.

Allele frequency attached by ClinVar (database versions not stated): ExAC 0.00001; TOPMed 0.00001; gnomAD 0.00002; ESP Exome Variant Server 0.00015.
gnomAD v4.1: 3 of 1,613,978 alleles (0.00019%); highest among the groups gnomAD compares: African/African-American, 0.0027%; no homozygotes.

Submissions (2):

Labcorp Genetics (formerly Invitae), Labcorp
Classification: Uncertain significance for Long QT syndrome 10. Last evaluated: 2022-06-21. Review status: criteria provided, single submitter. Criteria: Invitae Variant Classification Sherloc (09022015). Collection method: clinical testing. Allele origin: germline.
Comment: In summary, the available evidence is currently insufficient to determine the role of this variant in disease. Therefore, it has been classified as a Variant of Uncertain Significance. Algorithms developed to predict the effect of missense changes on protein structure and function (SIFT, PolyPhen-2, Align-GVGD) all suggest that this variant is likely to be tolerated. This variant has not been reported in the literature in individuals affected with SCN4B-related conditions. This variant is present in population databases (rs147332112, gnomAD 0.0009%). This sequence change replaces arginine, which is basic and polar, with glutamine, which is neutral and polar, at codon 67 of the SCN4B protein (p.Arg67Gln).

Ambry Genetics
Classification: Uncertain significance for Cardiovascular phenotype. Last evaluated: 2021-12-23. Review status: criteria provided, single submitter. Criteria: Ambry Variant Classification Scheme 2023. Collection method: clinical testing. Allele origin: germline.
Comment: The p.R67Q variant (also known as c.200G>A), located in coding exon 2 of the SCN4B gene, results from a G to A substitution at nucleotide position 200. The arginine at codon 67 is replaced by glutamine, an amino acid with highly similar properties. This amino acid position is conserved. In addition, this alteration is predicted to be tolerated by in silico analysis. Since supporting evidence is limited at this time, the clinical significance of this alteration remains unclear.

NM_174934.4(SCN4B):c.200G>A (p.Arg67Gln)

Gene: SCN4B (sodium voltage-gated channel beta subunit 4; minus strand). Cytogenetic location: 11q23.3.
Variant type: single nucleotide variant.
Coding change: c.200G>A on transcript NM_174934.4 (MANE Select); coding-DNA position 200, G replaced by A.
Protein change: p.Arg67Gln; replaces arginine 67 with glutamine.
Molecular consequence: missense variant. On other transcripts: 5 prime UTR variant (1), non-coding transcript variant (1), intron variant (1).
Genome position (GRCh38, 1-based): chr11:118,145,091, C>T on the plus strand (G>A on the coding strand, the complement: SCN4B is on the minus strand). VCF-style: chr11-118145091-C-T. GRCh37 (hg19) VCF-style: chr11-118015806-C-T.
Other names: c.-131G>A (NM_001142349.2); c.62-3755G>A (NM_001142348.2); short protein forms R67Q.
Identifiers: ClinVar variation 1784384 (VCV001784384.7), dbSNP rs147332112, ClinGen allele CA6300279.